The following is an entry in ClinVar:

ClinVar aggregate classification (germline): Likely benign (1 of 4 stars; one submission).

gnomAD v4.1: 2,264 of 1,609,366 alleles (0.14%); highest among the groups gnomAD compares: Non-Finnish European, 0.17%; 4 homozygotes.

Submissions (5):

CeGaT Center for Human Genetics Tuebingen
Classification: Likely benign. Last evaluated: 2025-11-01. Review status: criteria provided, single submitter. Criteria: CeGaT Center For Human Genetics Tuebingen Variant Classification Criteria Version 2. Collection method: clinical testing. Allele origin: germline. Affected: yes. Observed: 1 variant allele.
Comment: RSRC1: BS2

Dr. Peter K. Rogan Lab, Western University
No classification provided (evidence only). Condition: Melanoma. Review status: no classification provided. Collection method: in vitro. Allele origin: not applicable. Functional consequence: retained intron. Not counted in ClinVar's aggregate classification.

Dr. Peter K. Rogan Lab, Western University
No classification provided (evidence only). Condition: Ovarian serous cystadenocarcinoma. Review status: no classification provided. Collection method: in vitro. Allele origin: not applicable. Functional consequence: retained intron. Not counted in ClinVar's aggregate classification.

Dr. Peter K. Rogan Lab, Western University
No classification provided (evidence only). Condition: Ovarian serous cystadenocarcinoma. Review status: no classification provided. Collection method: in vitro. Allele origin: not applicable. Functional consequence: retained intron. Not counted in ClinVar's aggregate classification.

Dr. Peter K. Rogan Lab, Western University
No classification provided (evidence only). Condition: Adrenocortical carcinoma, hereditary. Review status: no classification provided. Collection method: in vitro. Allele origin: not applicable. Functional consequence: retained intron. Not counted in ClinVar's aggregate classification.

NM_001271838.2(RSRC1):c.922G>A (p.Glu308Lys)

Gene: RSRC1 (arginine and serine rich coiled-coil 1; plus strand). Cytogenetic location: 3q25.32.
Variant type: single nucleotide variant.
Coding change: c.922G>A on transcript NM_001271838.2 (MANE Select); coding-DNA position 922, G replaced by A.
Protein change: p.Glu308Lys; replaces glutamic acid 308 with lysine.
Molecular consequence: missense variant.
Genome position (GRCh38, 1-based): chr3:158,544,192, G>A. VCF-style: chr3-158544192-G-A. GRCh37 (hg19) VCF-style: chr3-158261981-G-A.
Other names: NC_000003.11:g.158261981G>A; c.748G>A, p.Glu250Lys (NM_001271834.2); c.922G>A, p.Glu308Lys (NM_016625.4); short protein forms E250K, E308K.
Identifiers: ClinVar variation 4523243 (VCV004523243.7).
Genomic context (GRCh38, chr3:158,544,192, plus strand): 5'-TCAAGTTATTGGGAGACAGTAACATTTTTTCTTTTTCTTTTCTTATTTCAGTTATTTATC[G>A]AGAAAGCTGATGCTGAGGAAAAATGGTTCAAGAGATTAATTGCTCTCCGACAAGAAAGAC-3'
Protein context (NP_001258767.1, residues 298-318): NSLAHPNLFI[Glu308Lys]KADAEEKWFK